The following is an entry in ClinVar:

ClinVar aggregate classification (germline): Pathogenic (1 of 4 stars; one submission).

Conditions:
Episodic ataxia type 2 (EA2). Also called: CEREBELLAR ATAXIA, PAROXYSMAL, ACETAZOLAMIDE-RESPONSIVE; CEREBELLOPATHY, HEREDITARY PAROXYSMAL; EPISODIC ATAXIA, NYSTAGMUS-ASSOCIATED; ACETAZOLAMIDE-RESPONSIVE HEREDITARY PAROXYSMAL CEREBELLAR ATAXIA; ATAXIA, EPISODIC, WITH NYSTAGMUS; ATAXIA, FAMILIAL PAROXYSMAL. Identifiers: Orphanet 97, MedGen C1720416, MONDO:0007163, OMIM 108500.
Developmental and epileptic encephalopathy, 42 (DEE42A). Also called: Epileptic encephalopathy, early infantile, 42; DEVELOPMENTAL AND EPILEPTIC ENCEPHALOPATHY 42A; EPILEPTIC ENCEPHALOPATHY, EARLY INFANTILE, 42A. Identifiers: MedGen C4310716, MONDO:0014917, OMIM 617106.

Submission:

Labcorp Genetics (formerly Invitae), Labcorp
Classification: Pathogenic for Developmental and epileptic encephalopathy, 42; Episodic ataxia type 2. Last evaluated: 2023-01-05. Review status: criteria provided, single submitter. Criteria: Invitae Variant Classification Sherloc (09022015). Collection method: clinical testing. Allele origin: germline.
Comment: This sequence change replaces glycine, which is neutral and non-polar, with arginine, which is basic and polar, at codon 1323 of the CACNA1A protein (p.Gly1323Arg). This variant is not present in population databases (gnomAD no frequency). This missense change has been observed in individual(s) with clinical features consistent with epileptic encephalopathy and/or clinical features of CACNA1A-related conditions (Invitae). In at least one individual the variant was observed to be de novo. Advanced modeling of protein sequence and biophysical properties (such as structural, functional, and spatial information, amino acid conservation, physicochemical variation, residue mobility, and thermodynamic stability) performed at Invitae indicates that this missense variant is expected to disrupt CACNA1A protein function. Algorithms developed to predict the effect of sequence changes on RNA splicing suggest that this variant may create or strengthen a splice site. This variant disrupts the p.Gly1323 amino acid residue in CACNA1A. Other variant(s) that disrupt this residue have been observed in individuals with CACNA1A-related conditions (PMID: 34263451; Invitae), which suggests that this may be a clinically significant amino acid residue. For these reasons, this variant has been classified as Pathogenic.

Literature cited by the submitters: PubMed 34263451.

NM_001127222.2(CACNA1A):c.3964G>A (p.Gly1322Arg)

Genes: CACNA1A (calcium voltage-gated channel subunit alpha1 A; minus strand), LOC126862865 (CDK7 strongly-dependent group 2 enhancer GRCh37_chr19:13385818-13387017; plus strand). Cytogenetic location: 19p13.13.
Variant type: single nucleotide variant.
Coding change: c.3964G>A on transcript NM_001127222.2 (MANE Select); coding-DNA position 3964, G replaced by A.
Protein change: p.Gly1322Arg; replaces glycine 1322 with arginine.
Molecular consequence: missense variant.
Genome position (GRCh38, 1-based): chr19:13,275,875, C>T on the plus strand (G>A on the coding strand, the complement: CACNA1A is on the minus strand). VCF-style: chr19-13275875-C-T. GRCh37 (hg19) VCF-style: chr19-13386689-C-T.
Other names: c.3976G>A, p.Gly1326Arg (NM_000068.4, NM_023035.3); c.3967G>A, p.Gly1323Arg (NM_001127221.2, NM_001174080.2); short protein forms G1323R, G1326R, G1322R.
Identifiers: ClinVar variation 2941913 (VCV002941913.3), dbSNP rs2512810715, ClinGen allele CA404340181.